The following is an entry in ClinVar:

ClinVar aggregate classification (germline): Pathogenic (1 of 4 stars; one submission).

Conditions:
Primary ciliary dyskinesia. Also called: Ciliary dyskinesia. Identifiers: Orphanet 244, MedGen C0008780, MONDO:0016575, HP:0012265.

Submission:

Labcorp Genetics (formerly Invitae), Labcorp
Classification: Pathogenic for Primary ciliary dyskinesia. Last evaluated: 2025-08-21. Review status: criteria provided, single submitter. Criteria: Invitae Variant Classification Sherloc (09022015). Collection method: clinical testing. Allele origin: germline.
Comment: This sequence change affects an acceptor splice site in intron 35 of the DNAH5 gene. It is expected to disrupt RNA splicing. Variants that disrupt the donor or acceptor splice site typically lead to a loss of protein function (PMID: 16199547), and loss-of-function variants in DNAH5 are known to be pathogenic (PMID: 11788826, 16627867). This variant is not present in population databases (gnomAD no frequency). Disruption of this splice site has been observed in individual(s) with primary ciliary dyskinesia (internal data). ClinVar contains an entry for this variant (Variation ID: 1458108). Algorithms developed to predict the effect of sequence changes on RNA splicing suggest that this variant may disrupt the consensus splice site. For these reasons, this variant has been classified as Pathogenic.

Literature cited by the submitters: PubMed 16199547; PubMed 11788826; PubMed 16627867.

NM_001369.3(DNAH5):c.5883-2A>C

Gene: DNAH5 (dynein axonemal heavy chain 5; minus strand). Cytogenetic location: 5p15.2.
Variant type: single nucleotide variant.
Coding change: c.5883-2A>C on transcript NM_001369.3 (MANE Select); the canonical splice acceptor site of the intron before coding-DNA position 5883, A replaced by C.
Molecular consequence: splice acceptor variant.
Genome position (GRCh38, 1-based): chr5:13,830,777, T>G on the plus strand (A>C on the coding strand, the complement: DNAH5 is on the minus strand). VCF-style: chr5-13830777-T-G. GRCh37 (hg19) VCF-style: chr5-13830886-T-G.
Identifiers: ClinVar variation 1458108 (VCV001458108.8), dbSNP rs1580465796, ClinGen allele CA359203226.